The following is an entry in ClinVar:

NM_001321120.2(TBX4):c.151G>C (p.Gly51Arg)

Gene: TBX4 (T-box transcription factor 4; plus strand). Cytogenetic location: 17q23.2.
Variant type: single nucleotide variant.
Coding change: c.151G>C on transcript NM_001321120.2 (MANE Select); coding-DNA position 151, G replaced by C.
Protein change: p.Gly51Arg; replaces glycine 51 with arginine.
Molecular consequence: missense variant.
Genome position (GRCh38, 1-based): chr17:61,456,641, G>C. VCF-style: chr17-61456641-G-C. GRCh37 (hg19) VCF-style: chr17-59534002-G-C.
Other names: c.151G>C, p.Gly51Arg (NM_018488.3); c.151G>C (NM_018488.2); short protein forms G51R.
Identifiers: ClinVar variation 2187464 (VCV002187464.5), dbSNP rs1057096239, ClinGen allele CA400469100.

ClinVar aggregate classification (germline): Uncertain significance. Review status: criteria provided, multiple submitters, no conflicts (2 of 4 stars). 2 submissions from 2 submitters: Uncertain significance (2). Last evaluated 2024-05-22.

Conditions:
Inborn genetic diseases. Identifiers: MedGen C0950123, MeSH D030342.

Allele frequency attached by ClinVar (database versions not stated): gnomAD 0.00002.
gnomAD v4.1: 12 of 1,349,182 alleles (0.00089%); highest among the groups gnomAD compares: African/African-American, 0.0031%; no homozygotes.

Submissions (2):

Ambry Genetics
Classification: Uncertain significance for Inborn genetic diseases. Last evaluated: 2024-05-22. Review status: criteria provided, single submitter. Criteria: Ambry Variant Classification Scheme 2023. Collection method: clinical testing. Allele origin: germline.

Labcorp Genetics (formerly Invitae), Labcorp
Classification: Uncertain significance. Last evaluated: 2022-05-06. Review status: criteria provided, single submitter. Criteria: Invitae Variant Classification Sherloc (09022015). Collection method: clinical testing. Allele origin: germline.
Comment: This variant is present in population databases (no rsID available, gnomAD 0.007%). This variant has not been reported in the literature in individuals affected with TBX4-related conditions. Advanced modeling of protein sequence and biophysical properties (such as structural, functional, and spatial information, amino acid conservation, physicochemical variation, residue mobility, and thermodynamic stability) performed at Invitae indicates that this missense variant is not expected to disrupt TBX4 protein function. In summary, the available evidence is currently insufficient to determine the role of this variant in disease. Therefore, it has been classified as a Variant of Uncertain Significance. This sequence change replaces glycine, which is neutral and non-polar, with arginine, which is basic and polar, at codon 51 of the TBX4 protein (p.Gly51Arg).